The following is an entry in ClinVar:

ClinVar aggregate classification (germline): Uncertain significance. Review status: criteria provided, multiple submitters, no conflicts (2 of 4 stars). 2 submissions from 2 submitters: Uncertain significance (2). Last evaluated 2022-06-27.

Conditions:
Acrocallosal syndrome (ACLS). Also called: HALLUX DUPLICATION, POSTAXIAL POLYDACTYLY, AND ABSENCE OF CORPUS CALLOSUM; Schinzel syndrome 1; Absence of corpus callosum with unusual facial appearance, mental deficiency, duplication of the halluces and polydactyly. Identifiers: Orphanet 36, MedGen C0796147, MONDO:0008708, OMIM 200990.

Allele frequency attached by ClinVar (database versions not stated): gnomAD 0.00001; gnomAD exomes 0.00001 and 0.00003; TOPMed 0.00002; ExAC 0.00003; 1000 Genomes Project 30x 0.00016; 1000 Genomes Project 0.00020.
gnomAD v4.1: 26 of 1,613,386 alleles (0.0016%); highest among the groups gnomAD compares: Admixed American, 0.005%; no homozygotes.

Submissions (2):

Labcorp Genetics (formerly Invitae), Labcorp
Classification: Uncertain significance for Acrocallosal syndrome. Last evaluated: 2022-06-27. Review status: criteria provided, single submitter. Criteria: Invitae Variant Classification Sherloc (09022015). Collection method: clinical testing. Allele origin: germline.
Comment: ClinVar contains an entry for this variant (Variation ID: 194686). In summary, the available evidence is currently insufficient to determine the role of this variant in disease. Therefore, it has been classified as a Variant of Uncertain Significance. Algorithms developed to predict the effect of missense changes on protein structure and function (SIFT, PolyPhen-2, Align-GVGD) all suggest that this variant is likely to be disruptive. This variant has not been reported in the literature in individuals affected with KIF7-related conditions. This variant is present in population databases (rs570460369, gnomAD 0.009%). This sequence change replaces arginine, which is basic and polar, with tryptophan, which is neutral and slightly polar, at codon 1071 of the KIF7 protein (p.Arg1071Trp).

Eurofins Ntd Llc (ga)
Classification: Uncertain significance. Last evaluated: 2015-05-11. Review status: criteria provided, single submitter. Criteria: EGL Classification Definitions 2015. Collection method: clinical testing. Allele origin: germline. Observed: 2 variant alleles, 2 heterozygotes.

NM_198525.3(KIF7):c.3211C>T (p.Arg1071Trp)

Gene: KIF7 (kinesin family member 7; minus strand). Cytogenetic location: 15q26.1.
Variant type: single nucleotide variant.
Coding change: c.3211C>T on transcript NM_198525.3 (MANE Select); coding-DNA position 3211, C replaced by T.
Protein change: p.Arg1071Trp; replaces arginine 1071 with tryptophan.
Molecular consequence: missense variant.
Genome position (GRCh38, 1-based): chr15:89,630,394, G>A on the plus strand (C>T on the coding strand, the complement: KIF7 is on the minus strand). VCF-style: chr15-89630394-G-A. GRCh37 (hg19) VCF-style: chr15-90173625-G-A.
Other names: short protein forms R1071W.
Identifiers: ClinVar variation 194686 (VCV000194686.10), dbSNP rs570460369, ClinGen allele CA020352.